The following is an entry in ClinVar:

NM_198252.3(GSN):c.2014G>A (p.Ala672Thr)

Gene: GSN (gelsolin; plus strand). Cytogenetic location: 9q33.2.
Variant type: single nucleotide variant.
Coding change: c.2014G>A on transcript NM_198252.3 (MANE Select); coding-DNA position 2014, G replaced by A.
Protein change: p.Ala672Thr; replaces alanine 672 with threonine.
Molecular consequence: missense variant.
Genome position (GRCh38, 1-based): chr9:121,331,436, G>A. VCF-style: chr9-121331436-G-A. GRCh37 (hg19) VCF-style: chr9-124093714-G-A.
Other names: c.2167G>A, p.Ala723Thr (NM_000177.5); c.2014G>A, p.Ala672Thr (NM_001127662.2, NM_001127664.2, NM_001127665.2 and 10 more transcripts); c.2122G>A, p.Ala708Thr (NM_001127663.2); c.2047G>A, p.Ala683Thr (NM_001127666.2, NM_001127667.2, NM_001353063.2 and 13 more transcripts); c.2065G>A, p.Ala689Thr (NM_001258029.2); c.2038G>A, p.Ala680Thr (NM_001258030.2); c.2086G>A, p.Ala696Thr (NM_001353076.2); c.1360G>A, p.Ala454Thr (NM_001353078.2); short protein forms A454T, A683T, A680T, A696T, A708T, A672T, A723T, A689T.
Identifiers: ClinVar variation 4699631 (VCV004699631.1).

ClinVar aggregate classification (germline): Uncertain significance (1 of 4 stars; one submission).

gnomAD v4.1: 2 of 1,561,222 alleles (0.00013%); highest among the groups gnomAD compares: Admixed American, 0.0034%; no homozygotes.

Submission:

Labcorp Genetics (formerly Invitae), Labcorp
Classification: Uncertain significance. Last evaluated: 2025-11-23. Review status: criteria provided, single submitter. Criteria: Invitae Variant Classification Sherloc (09022015). Collection method: clinical testing. Allele origin: germline.
Comment: This sequence change replaces alanine, which is neutral and non-polar, with threonine, which is neutral and polar, at codon 723 of the GSN protein (p.Ala723Thr). This variant is present in population databases (no rsID available, gnomAD 0.006%). This variant has not been reported in the literature in individuals affected with GSN-related conditions. Invitae Evidence Modeling of protein sequence and biophysical properties (such as structural, functional, and spatial information, amino acid conservation, physicochemical variation, residue mobility, and thermodynamic stability) indicates that this missense variant is not expected to disrupt GSN protein function with a negative predictive value of 80%. In summary, the available evidence is currently insufficient to determine the role of this variant in disease. Therefore, it has been classified as a Variant of Uncertain Significance.